The following is an entry in ClinVar:

ClinVar aggregate classification (germline): Uncertain significance (1 of 4 stars; one submission).

Conditions:
Arrhythmogenic right ventricular dysplasia 8 (ARVD8). Also called: ARRHYTHMOGENIC RIGHT VENTRICULAR CARDIOMYOPATHY 8; Arrhythmogenic Right Ventricular Dysplasia/Cardiomyopathy 8; ARRHYTHMOGENIC RIGHT VENTRICULAR DYSPLASIA, FAMILIAL, 8. Identifiers: MedGen C1843896, MONDO:0011831, OMIM 607450.
Arrhythmogenic cardiomyopathy with wooly hair and keratoderma. Also called: PALMOPLANTAR KERATODERMA WITH LEFT VENTRICULAR CARDIOMYOPATHY AND WOOLLY HAIR; Arrhythmogenic cardiomyopathy with woolly hair and keratoderma; Carvajal syndrome; Dilated cardiomyopathy with woolly hair and keratoderma. Identifiers: Orphanet 65282, MedGen C1854063, MONDO:0011581, OMIM 605676.

Allele frequency attached by ClinVar (database versions not stated): gnomAD exomes below 0.00001.

Submission:

Labcorp Genetics (formerly Invitae), Labcorp
Classification: Uncertain significance for Arrhythmogenic cardiomyopathy with wooly hair and keratoderma; Arrhythmogenic right ventricular dysplasia 8. Last evaluated: 2022-07-04. Review status: criteria provided, single submitter. Criteria: Invitae Variant Classification Sherloc (09022015). Collection method: clinical testing. Allele origin: germline.
Comment: Algorithms developed to predict the effect of missense changes on protein structure and function are either unavailable or do not agree on the potential impact of this missense change (SIFT: "Deleterious"; PolyPhen-2: "Probably Damaging"; Align-GVGD: "Class C0"). In summary, the available evidence is currently insufficient to determine the role of this variant in disease. Therefore, it has been classified as a Variant of Uncertain Significance. This variant has not been reported in the literature in individuals affected with DSP-related conditions. This variant is not present in population databases (gnomAD no frequency). This sequence change replaces leucine, which is neutral and non-polar, with valine, which is neutral and non-polar, at codon 1348 of the DSP protein (p.Leu1348Val).

NM_004415.4(DSP):c.4042C>G (p.Leu1348Val)

Gene: DSP (desmoplakin; plus strand). Cytogenetic location: 6p24.3.
Variant type: single nucleotide variant.
Coding change: c.4042C>G on transcript NM_004415.4 (MANE Select); coding-DNA position 4042, C replaced by G.
Protein change: p.Leu1348Val; replaces leucine 1348 with valine.
Molecular consequence: missense variant. On other transcripts: intron variant (1).
Genome position (GRCh38, 1-based): chr6:7,580,232, C>G. VCF-style: chr6-7580232-C-G. GRCh37 (hg19) VCF-style: chr6-7580465-C-G.
Other names: c.4042C>G, p.Leu1348Val (NM_001319034.2); c.3582+460C>G (NM_001008844.3); short protein forms L1348V.
Identifiers: ClinVar variation 2001930 (VCV002001930.4), dbSNP rs2533927227, ClinGen allele CA362685421.
Genomic context (GRCh38, chr6:7,580,232, plus strand): 5'-GAGAGACTCAAAGCTGAGTTTCAGGAGGAGGCCAAGCGCCGCTGGGAATATGAAAATGAA[C>G]TGAGTAAGGTAAGAAACAATTATGATGAGGAGATCATTAGCTTAAAAAATCAGTTTGAGA-3'
Protein context (NP_004406.2, residues 1338-1358): AKRRWEYENE[Leu1348Val]SKVRNNYDEE